The following is an entry in ClinVar:

ClinVar aggregate classification (germline): Uncertain significance (1 of 4 stars; one submission).

Allele frequency attached by ClinVar (database versions not stated): TOPMed below 0.00001; gnomAD exomes 0.00001.
gnomAD v4.1: 10 of 1,614,124 alleles (0.00062%); highest among the groups gnomAD compares: Non-Finnish European, 0.00085%; no homozygotes.

Submission:

Labcorp Genetics (formerly Invitae), Labcorp
Classification: Uncertain significance. Last evaluated: 2023-10-15. Review status: criteria provided, single submitter. Criteria: Invitae Variant Classification Sherloc (09022015). Collection method: clinical testing. Allele origin: germline.
Comment: This sequence change replaces isoleucine, which is neutral and non-polar, with valine, which is neutral and non-polar, at codon 1356 of the BRD4 protein (p.Ile1356Val). This variant is not present in population databases (gnomAD no frequency). This variant has not been reported in the literature in individuals affected with BRD4-related conditions. An algorithm developed to predict the effect of missense changes on protein structure and function (PolyPhen-2) suggests that this variant is likely to be tolerated. In summary, the available evidence is currently insufficient to determine the role of this variant in disease. Therefore, it has been classified as a Variant of Uncertain Significance.

NM_001379291.1(BRD4):c.4066A>G (p.Ile1356Val)

Gene: BRD4 (bromodomain containing 4; minus strand). Cytogenetic location: 19p13.12.
Variant type: single nucleotide variant.
Coding change: c.4066A>G on transcript NM_001379291.1 (MANE Select); coding-DNA position 4066, A replaced by G.
Protein change: p.Ile1356Val; replaces isoleucine 1356 with valine.
Molecular consequence: missense variant.
Genome position (GRCh38, 1-based): chr19:15,238,400, T>C on the plus strand (A>G on the coding strand, the complement: BRD4 is on the minus strand). VCF-style: chr19-15238400-T-C. GRCh37 (hg19) VCF-style: chr19-15349211-T-C.
Other names: c.4066A>G, p.Ile1356Val (NM_058243.3); short protein forms I1356V.
Identifiers: ClinVar variation 2895066 (VCV002895066.3), dbSNP rs912468726, ClinGen allele CA305780527.
Genomic context (GRCh38, chr19:15,238,400, plus strand): 5'-TGCCAGAAAATCAAAGTCAGAAGCCACCTAGGTGCGCTCAGAAAAGATTTTCTTCAAATA[T>C]TGACAATAGATCACTCTGGAAATTCATGTCAATGGTAGCTGCCATCTGGAGGAGAAAGGA-3'
Protein context (NP_001366220.1, residues 1346-1362): DMNFQSDLLS[Ile1356Val]FEENLF